The following is an entry in ClinVar:

ClinVar aggregate classification (germline): Uncertain significance (1 of 4 stars; one submission).

Conditions:
Catecholaminergic polymorphic ventricular tachycardia (CVPT). Also called: Catecholamine-induced polymorphic ventricular tachycardia. Identifiers: Orphanet 3286, MedGen C5574922, MONDO:0017990.

gnomAD v4.1: 1 of 1,257,754 alleles (0.00008%); highest among the groups gnomAD compares: Non-Finnish European, 0.0001%; no homozygotes.

Submission:

All of Us Research Program, National Institutes of Health
Classification: Uncertain significance for Catecholaminergic polymorphic ventricular tachycardia. Last evaluated: 2023-04-03. Review status: criteria provided, single submitter. Criteria: ACMG Guidelines, 2015. Collection method: clinical testing. Allele origin: germline. Inheritance: Autosomal dominant inheritance. Observed: 1 variant allele, 1 heterozygote.
Comment: This missense variant replaces glycine with arginine at codon 4 of the RYR2 protein. Computational prediction suggests that this variant may not impact protein structure and function (internally defined REVEL score threshold <= 0.5, PMID: 27666373). To our knowledge, functional studies have not been reported for this variant. This variant has not been reported in individuals affected with RYR2-related disorders in the literature. This variant has not been identified in the general population by the Genome Aggregation Database (gnomAD). The available evidence is insufficient to determine the role of this variant in disease conclusively. Therefore, this variant is classified as a Variant of Uncertain Significance.

This study involves interpretation of variants in research participants for the purpose of population health screening. Participant phenotype was not available at the time of variant classification. Additional details can be found in publication PMID: 35346344, PMCID: PMC8962531

NM_001035.3(RYR2):c.10G>A (p.Gly4Arg)

Gene: RYR2 (ryanodine receptor 2; plus strand). Cytogenetic location: 1q43.
Variant type: single nucleotide variant.
Coding change: c.10G>A on transcript NM_001035.3 (MANE Select); coding-DNA position 10, G replaced by A.
Protein change: p.Gly4Arg; replaces glycine 4 with arginine.
Molecular consequence: missense variant.
Genome position (GRCh38, 1-based): chr1:237,042,531, G>A. VCF-style: chr1-237042531-G-A. GRCh37 (hg19) VCF-style: chr1-237205831-G-A.
Other names: short protein forms G4R.
Identifiers: ClinVar variation 3070316 (VCV003070316.1), dbSNP rs2527003251, ClinGen allele CA345654157.